The following is an entry in ClinVar:

ClinVar aggregate classification (germline): Likely pathogenic (1 of 4 stars; one submission).

Conditions:
Microcephaly, normal intelligence and immunodeficiency (NBS). Also called: Nijmegen breakage syndrome; Microcephaly with normal intelligence immunodeficiency and lymphoreticular malignancies; Nonsyndromal microcephaly autosomal recessive with normal intelligence; Seemanova syndrome 2; IMMUNODEFICIENCY, MICROCEPHALY, AND CHROMOSOMAL INSTABILITY; Ataxia telangiectasia variant V1. Identifiers: Orphanet 647, MedGen C0398791, MONDO:0009623, OMIM 251260.

Submission:

Labcorp Genetics (formerly Invitae), Labcorp
Classification: Likely pathogenic for Microcephaly, normal intelligence and immunodeficiency. Last evaluated: 2021-10-19. Review status: criteria provided, single submitter. Criteria: Invitae Variant Classification Sherloc (09022015). Collection method: clinical testing. Allele origin: germline.
Comment: In summary, the currently available evidence indicates that the variant is pathogenic, but additional data are needed to prove that conclusively. Therefore, this variant has been classified as Likely Pathogenic. This variant has not been reported in the literature in individuals affected with NBN-related conditions. This variant results in a copy number gain of the genomic region encompassing exon(s) 9 of the NBN gene. While the exact position of this variant cannot be determined from the data, sub-genic copy number gains are generally in tandem (PMID: 25640679). This variant is predicted to be out-of-frame, and may result in an absent or disrupted protein product. Loss-of-function variants in NBN are known to be pathogenic (PMID: 9590180, 16415040).

Literature cited by the submitters: PubMed 25640679; PubMed 9590180; PubMed 16415040.

NC_000008.10:g.(?_90970943)_(90971092_?)dup

Gene: NBN (nibrin; minus strand). Cytogenetic location: 8q21.3.
Variant type: Duplication.
Identifiers: ClinVar variation 2424466 (VCV002424466.4).